The following is an entry in ClinVar:

ClinVar aggregate classification (germline): Uncertain significance (1 of 4 stars; one submission).

Submission:

GeneDx
Classification: Uncertain significance. Last evaluated: 2024-01-26. Review status: criteria provided, single submitter. Criteria: GeneDx Variant Classification Process June 2021. Collection method: clinical testing. Allele origin: germline. Affected: yes.
Comment: Not observed at significant frequency in large population cohorts (gnomAD); In silico analysis supports that this missense variant has a deleterious effect on protein structure/function; Has not been previously published as pathogenic or benign to our knowledge

NM_001009944.3(PKD1):c.1565G>A (p.Cys522Tyr)

Gene: PKD1 (polycystin 1, transient receptor potential channel interacting; minus strand). Cytogenetic location: 16p13.3.
Variant type: single nucleotide variant.
Coding change: c.1565G>A on transcript NM_001009944.3 (MANE Select); coding-DNA position 1565, G replaced by A.
Protein change: p.Cys522Tyr; replaces cysteine 522 with tyrosine.
Molecular consequence: missense variant.
Genome position (GRCh38, 1-based): chr16:2,116,874, C>T on the plus strand (G>A on the coding strand, the complement: PKD1 is on the minus strand). VCF-style: chr16-2116874-C-T. GRCh37 (hg19) VCF-style: chr16-2166875-C-T.
Other names: c.1565G>A, p.Cys522Tyr (NM_000296.4); short protein forms C522Y.
Identifiers: ClinVar variation 3368210 (VCV003368210.1).
Genomic context (GRCh38, chr16:2,116,874, plus strand): 5'-TGCCTGGCCCCCCGCACACCTCCGGGCTGCAGCTCGCAGACGTAGCTGTGCGGCGCTGAG[C>T]ACAGGTCGGTGTTACACCACCCGGTGGGCCCGAGCCGGACGCAGTGCTCGGCTGTGGCTG-3'
Protein context (NP_001009944.3, residues 512-532): GPTGWCNTDL[Cys522Tyr]SAPHSYVCEL